The following is an entry in ClinVar:

NM_001292063.2(OTOG):c.7796T>C (p.Val2599Ala)

Gene: OTOG (otogelin; plus strand). Cytogenetic location: 11p15.1.
Variant type: single nucleotide variant.
Coding change: c.7796T>C on transcript NM_001292063.2 (MANE Select); coding-DNA position 7796, T replaced by C.
Protein change: p.Val2599Ala; replaces valine 2599 with alanine.
Molecular consequence: missense variant.
Genome position (GRCh38, 1-based): chr11:17,638,451, T>C. VCF-style: chr11-17638451-T-C. GRCh37 (hg19) VCF-style: chr11-17659998-T-C.
Other names: c.7832T>C, p.Val2611Ala (NM_001277269.2); short protein forms V2599A, V2611A.
Identifiers: ClinVar variation 1695724 (VCV001695724.2), dbSNP rs1847899311, ClinGen allele CA379780520.

ClinVar aggregate classification (germline): Uncertain significance (1 of 4 stars; one submission).

gnomAD v4.1: 1 of 1,547,108 alleles (0.000065%); no homozygotes.

Submission:

GeneDx
Classification: Uncertain significance. Last evaluated: 2022-01-05. Review status: criteria provided, single submitter. Criteria: GeneDx Variant Classification Process June 2021. Collection method: clinical testing. Allele origin: germline. Affected: yes.
Comment: Not observed at significant frequency in large population cohorts (gnomAD); In silico analysis supports that this missense variant has a deleterious effect on protein structure/function; Has not been previously published as pathogenic or benign to our knowledge